The following is an entry in ClinVar:

ClinVar aggregate classification (germline): Likely benign (1 of 4 stars; one submission).

gnomAD v4.1: 371 of 1,604,298 alleles (0.023%); highest among the groups gnomAD compares: Non-Finnish European, 0.0054%; 3 homozygotes.

Submission:

CeGaT Center for Human Genetics Tuebingen
Classification: Likely benign. Last evaluated: 2025-02-01. Review status: criteria provided, single submitter. Criteria: CeGaT Center For Human Genetics Tuebingen Variant Classification Criteria Version 2. Collection method: clinical testing. Allele origin: germline. Affected: yes. Observed: 1 variant allele.
Comment: DOCK4: PP2, BS2

NM_001363540.2(DOCK4):c.1784A>G (p.Asp595Gly)

Gene: DOCK4 (dedicator of cytokinesis 4; minus strand). Cytogenetic location: 7q31.1.
Variant type: single nucleotide variant.
Coding change: c.1784A>G on transcript NM_001363540.2 (MANE Select); coding-DNA position 1784, A replaced by G.
Protein change: p.Asp595Gly; replaces aspartic acid 595 with glycine.
Molecular consequence: missense variant.
Genome position (GRCh38, 1-based): chr7:111,872,525, T>C on the plus strand (A>G on the coding strand, the complement: DOCK4 is on the minus strand). VCF-style: chr7-111872525-T-C. GRCh37 (hg19) VCF-style: chr7-111512581-T-C.
Other names: c.1784A>G, p.Asp595Gly (NM_014705.4); short protein forms D595G.
Identifiers: ClinVar variation 3771153 (VCV003771153.13).